The following is an entry in ClinVar:

NM_015102.5(NPHP4):c.1148_1149delinsGCC (p.Leu383fs)

Gene: NPHP4 (nephrocystin 4; minus strand). Cytogenetic location: 1p36.31.
Variant type: Indel.
Coding change: c.1148_1149delinsGCC on transcript NM_015102.5 (MANE Select); coding-DNA positions 1148 to 1149, TG replaced by GCC.
Protein change: p.Leu383fs; shifts the reading frame from leucine 383.
Molecular consequence: frameshift variant. On other transcripts: 5 prime UTR variant (2), non-coding transcript variant (1).
Genome position (GRCh38, 1-based): chr1:5,933,300-5,933,301, CA replaced by GGC on the plus strand (TG replaced by GCC on the coding strand, the reverse complement: NPHP4 is on the minus strand). VCF-style: chr1-5933300-CA-GGC. GRCh37 (hg19) VCF-style: chr1-5993360-CA-GGC.
Other names: c.-219_-218delinsGCC (NM_001291593.2, NM_001291594.2); short protein forms L383fs.
Identifiers: ClinVar variation 3346454 (VCV003346454.1).
Genomic context (GRCh38, chr1:5,933,300, plus strand): 5'-TCCAGAATCAGCTTCCAGCAAGGGGTTCCAAACAGCCCAGCGGACCATGTGCATGCATGC[CA>GGC]GGTTGGACAGAGAGGTGACCGAAGCTGCCTAGAATTAAAACAAAGCACATCGGTGTATGA-3'

ClinVar aggregate classification (germline): Likely pathogenic (0 of 4 stars; one submission).

Conditions:
NPHP4-related disorder. Also called: NPHP4-related condition; NPHP4-related disorders. Identifiers: MedGen CN239384.

Submission:

PreventionGenetics, part of Exact Sciences
Classification: Likely pathogenic for NPHP4-related condition. Last evaluated: 2024-06-10. Review status: no assertion criteria provided. Collection method: clinical testing. Allele origin: germline.
Comment: The NPHP4 c.1148_1149delinsGCC variant is predicted to result in a frameshift and premature protein termination (p.Leu383Argfs*19). This variant was reported in the homozygous state in an individual with chronic kidney disease (Table S3, Doreille et al. 2023. PubMed ID: 36938085). This variant has not been reported in a large population database, indicating this variant is rare. Frameshift variants in NPHP4 are expected to be pathogenic. This variant is interpreted as likely pathogenic.